The following is an entry in ClinVar:

ClinVar aggregate classification (germline): Likely benign. Review status: criteria provided, single submitter (1 of 4 stars). 2 submissions from 2 submitters: Likely benign (1). 1 of the submissions does not count toward it. Last evaluated 2024-10-16.

Conditions:
STK36-related disorder. Also called: STK36-related condition.

Allele frequency attached by ClinVar (database versions not stated): ESP Exome Variant Server 0.00008; TOPMed 0.00010; gnomAD 0.00013; ExAC 0.00016.
gnomAD v4.1: 300 of 1,614,076 alleles (0.019%); highest among the groups gnomAD compares: Middle Eastern, 0.099%; no homozygotes.

Submissions (2):

Blueprint Genetics
Classification: Likely benign. Last evaluated: 2024-10-16. Review status: criteria provided, single submitter. Criteria: ACMG Guidelines, 2015. Collection method: clinical testing. Allele origin: germline.

PreventionGenetics, part of Exact Sciences
Classification: Likely benign for STK36-related condition. Last evaluated: 2019-07-01. Review status: no assertion criteria provided. Collection method: clinical testing. Allele origin: germline. Not counted in ClinVar's aggregate classification.
Comment: This variant is classified as likely benign based on ACMG/AMP sequence variant interpretation guidelines (Richards et al. 2015 PMID: 25741868, with internal and published modifications).

NM_015690.5(STK36):c.2115G>A (p.Leu705=)

Gene: STK36 (serine/threonine kinase 36; plus strand). Cytogenetic location: 2q35.
Variant type: single nucleotide variant.
Coding change: c.2115G>A on transcript NM_015690.5 (MANE Select); coding-DNA position 2115, G replaced by A.
Protein change: p.Leu705=; no amino-acid change (leucine 705 retained).
Molecular consequence: synonymous variant.
Genome position (GRCh38, 1-based): chr2:218,693,311, G>A. VCF-style: chr2-218693311-G-A. GRCh37 (hg19) VCF-style: chr2-219558034-G-A.
Other names: c.2115G>A, p.Leu705= (NM_001243313.2, NM_001369423.1).
Identifiers: ClinVar variation 3034080 (VCV003034080.3), dbSNP rs371426036, ClinGen allele CA2111003.